The following is an entry in ClinVar:

NM_182641.4(BPTF):c.7081C>T (p.Pro2361Ser)

Gene: BPTF (bromodomain PHD finger transcription factor; plus strand). Cytogenetic location: 17q24.2.
Variant type: single nucleotide variant.
Coding change: c.7081C>T on transcript NM_182641.4 (MANE Select); coding-DNA position 7081, C replaced by T.
Protein change: p.Pro2361Ser; replaces proline 2361 with serine.
Molecular consequence: missense variant.
Genome position (GRCh38, 1-based): chr17:67,945,789, C>T. VCF-style: chr17-67945789-C-T. GRCh37 (hg19) VCF-style: chr17-65941905-C-T.
Other names: c.7459C>T, p.Pro2487Ser (NM_004459.7); short protein forms P2361S, P2487S.
Identifiers: ClinVar variation 2829190 (VCV002829190.3), dbSNP rs2512539546, ClinGen allele CA400724323.

ClinVar aggregate classification (germline): Uncertain significance (1 of 4 stars; one submission).

Allele frequency attached by ClinVar (database versions not stated): gnomAD exomes below 0.00001.
gnomAD v4.1: 2 of 1,614,182 alleles (0.00012%); highest among the groups gnomAD compares: Middle Eastern, 0.016%; no homozygotes.

Submission:

Labcorp Genetics (formerly Invitae), Labcorp
Classification: Uncertain significance. Last evaluated: 2023-01-16. Review status: criteria provided, single submitter. Criteria: Invitae Variant Classification Sherloc (09022015). Collection method: clinical testing. Allele origin: germline.
Comment: Algorithms developed to predict the effect of missense changes on protein structure and function (SIFT, PolyPhen-2, Align-GVGD) all suggest that this variant is likely to be tolerated. This variant has not been reported in the literature in individuals affected with BPTF-related conditions. This variant is not present in population databases (gnomAD no frequency). This sequence change replaces proline, which is neutral and non-polar, with serine, which is neutral and polar, at codon 2487 of the BPTF protein (p.Pro2487Ser). In summary, the available evidence is currently insufficient to determine the role of this variant in disease. Therefore, it has been classified as a Variant of Uncertain Significance.